The following is an entry in ClinVar:

NM_000179.3(MSH6):c.1443A>G (p.Ala481=)

Gene: MSH6 (mutS homolog 6; plus strand). Cytogenetic location: 2p16.3.
Variant type: single nucleotide variant.
Coding change: c.1443A>G on transcript NM_000179.3 (MANE Select); coding-DNA position 1443, A replaced by G.
Protein change: p.Ala481=; no amino-acid change (alanine 481 retained).
Molecular consequence: synonymous variant.
Genome position (GRCh38, 1-based): chr2:47,799,426, A>G. VCF-style: chr2-47799426-A-G. GRCh37 (hg19) VCF-style: chr2-48026565-A-G.
Other names: c.1053A>G, p.Ala351= (NM_001281492.2); c.537A>G, p.Ala179= (NM_001281493.2, NM_001281494.2).
Identifiers: ClinVar variation 237134 (VCV000237134.13), dbSNP rs878853703, ClinGen allele CA10582049.
Genomic context (GRCh38, chr2:47,799,426, plus strand): 5'-TCCTGAAATTGCATTTGGCCGTTATTCAGATTCCCTGGTGCAGAAGGGCTATAAAGTAGC[A>G]CGAGTGGAACAGACTGAGACTCCAGAAATGATGGAGGCACGATGTAGAAAGATGGCACAT-3'
Protein context (NP_000170.1, residues 471-491): DSLVQKGYKV[Ala481=]RVEQTETPEM

ClinVar aggregate classification (germline): Benign/Likely benign. Review status: criteria provided, multiple submitters, no conflicts (2 of 4 stars). 3 submissions from 3 submitters: Benign (1); Likely benign (2). Last evaluated 2024-12-26.

Conditions:
Hereditary nonpolyposis colorectal neoplasms. Identifiers: MedGen C0009405, MeSH D003123.
Hereditary cancer-predisposing syndrome. Also called: Hereditary neoplastic syndrome; Hereditary Cancer Syndrome; Neoplastic Syndromes, Hereditary; Tumor predisposition. Identifiers: Orphanet 140162, MedGen C0027672, MeSH D009386, MONDO:0015356.
Lynch syndrome 5 (LYNCH5). Also called: Hereditary non-polyposis colorectal cancer, type 5; Colorectal cancer, hereditary nonpolyposis, type 5. Identifiers: Orphanet 144, MedGen C1833477, MONDO:0013710, OMIM 614350. Disease mechanism: loss of function.

Submissions (3):

Myriad Genetics, Inc.
Classification: Benign for Lynch syndrome 5. Last evaluated: 2024-12-26. Review status: criteria provided, single submitter. Criteria: Myriad Autosomal Dominant, Autosomal Recessive and X-Linked Classification Criteria (2023). Collection method: clinical testing. Allele origin: unknown.
Comment: This variant is considered benign. This variant is a silent/synonymous amino acid change and it is not expected to impact splicing.

Ambry Genetics
Classification: Likely benign for Hereditary cancer-predisposing syndrome. Last evaluated: 2022-08-13. Review status: criteria provided, single submitter. Criteria: Ambry Variant Classification Scheme 2023. Collection method: clinical testing. Allele origin: germline.

Labcorp Genetics (formerly Invitae), Labcorp
Classification: Likely benign for Hereditary nonpolyposis colorectal neoplasms. Last evaluated: 2021-05-18. Review status: criteria provided, single submitter. Criteria: Invitae Variant Classification Sherloc (09022015). Collection method: clinical testing. Allele origin: germline.